The following is an entry in ClinVar:

ClinVar aggregate classification (germline): Conflicting classifications of pathogenicity. Review status: criteria provided, conflicting classifications (1 of 4 stars). 8 submissions from 8 submitters: Uncertain significance (6); Likely benign (1). 1 of the submissions does not count toward it. Last evaluated 2026-07-21.

Conditions:
DHCR7-related disorder. Also called: DHCR7-related condition.
Inborn genetic diseases. Identifiers: MedGen C0950123, MeSH D030342.
Smith-Lemli-Opitz syndrome (SLOS). Also called: 7-Dehydrocholesterol reductase deficiency; LETHAL ACRODYSGENITAL SYNDROME; POLYDACTYLY, SEX REVERSAL, RENAL HYPOPLASIA, AND UNILOBAR LUNG; RSH SYNDROME; RUTLEDGE LETHAL MULTIPLE CONGENITAL ANOMALY SYNDROME. Identifiers: Orphanet 818, MedGen C0175694, MONDO:0010035, OMIM 270400.

Allele frequency attached by ClinVar (database versions not stated): gnomAD exomes 0.00006 and 0.00003; ESP Exome Variant Server 0.00023; gnomAD 0.00029; TOPMed 0.00029; 1000 Genomes Project 0.00040; 1000 Genomes Project 30x 0.00062; ExAC 0.00006.
gnomAD v4.1: 83 of 1,614,176 alleles (0.0051%); highest among the groups gnomAD compares: African/African-American, 0.11%; no homozygotes.

Submissions (8):

GeneDx
Classification: Uncertain significance. Last evaluated: 2026-07-21. Review status: criteria provided, single submitter. Criteria: GeneDx Variant Classification Process June 2021. Collection method: clinical testing. Allele origin: germline.
Comment: In silico analysis indicates that this missense variant does not alter protein structure/function; Observed in 3/17,836 alleles in a study that used exome data sets to determine the carrier frequency for Smith-Lemli-Opitz Syndrome (PMID: 24813812); This variant is associated with the following publications: (PMID: 24813812)

PreventionGenetics, part of Exact Sciences
Classification: Uncertain significance for DHCR7-related condition. Last evaluated: 2026-07-21. Review status: criteria provided, single submitter. Criteria: ACMG Guidelines, 2015. Collection method: clinical testing. Allele origin: germline.
Comment: The DHCR7 c.28C>G variant is predicted to result in the amino acid substitution p.Pro10Ala. To our knowledge, this variant has not been reported in the literature. This variant is reported in 0.10% of alleles in individuals of African descent in gnomAD, which may be too frequent to be a primary cause of disease. Although we suspect that this variant may be benign, the clinical significance of this variant is currently classified as uncertain due to the absence of conclusive functional and genetic evidence.

Labcorp Genetics (formerly Invitae), Labcorp
Classification: Likely benign for Smith-Lemli-Opitz syndrome. Last evaluated: 2026-01-18. Review status: criteria provided, single submitter. Criteria: Invitae Variant Classification Sherloc (09022015). Collection method: clinical testing. Allele origin: germline.

Ambry Genetics
Classification: Uncertain significance for Inborn genetic diseases. Last evaluated: 2025-09-18. Review status: criteria provided, single submitter. Criteria: Ambry Variant Classification Scheme 2023. Collection method: clinical testing. Allele origin: germline.
Comment: The p.P10A variant (also known as c.28C>G), located in coding exon 1 of the DHCR7 gene, results from a C to G substitution at nucleotide position 28. The proline at codon 10 is replaced by alanine, an amino acid with highly similar properties. This amino acid position is well conserved in available vertebrate species; however, alanine is the reference amino acid in other vertebrate species. In addition, the in silico prediction for this alteration is inconclusive. Since supporting evidence is limited at this time, the clinical significance of this alteration remains unclear.

Fulgent Genetics
Classification: Uncertain significance for Smith-Lemli-Opitz syndrome. Last evaluated: 2024-04-04. Review status: criteria provided, single submitter. Criteria: ACMG Guidelines, 2015. Collection method: clinical testing. Allele origin: germline.

Eurofins Ntd Llc (ga)
Classification: Uncertain significance. Last evaluated: 2018-05-31. Review status: criteria provided, single submitter. Criteria: EGL ClinVar v180209 classification definitions. Collection method: clinical testing. Allele origin: germline. Observed: 8 variant alleles, 8 heterozygotes.

ARUP Laboratories, Molecular Genetics and Genomics, ARUP Laboratories
Classification: Uncertain significance. Last evaluated: 2018-05-22. Review status: criteria provided, single submitter. Criteria: ARUP Molecular Germline Variant Investigation Process. Collection method: clinical testing. Allele origin: germline.
Comment: The DHCR7 c.28C>G; p.Pro10Ala variant (rs139166382), to our knowledge, is not reported in the medical literature but is reported in ClinVar (Variation ID: 196325). This variant is found in the general African population with an allele frequency of 0.1% (24/24026 alleles) in the Genome Aggregation Database. The proline at codon 10 is not highly conserved, and computational analyses (SIFT, PolyPhen-2) predict that this variant is tolerated. However, given the lack of clinical and functional data, the significance of the p.Pro10Ala variant is uncertain at this time.

Natera, Inc.
Classification: Uncertain significance for Smith-Lemli-Opitz syndrome. Last evaluated: 2018-08-04. Review status: no assertion criteria provided. Collection method: clinical testing. Allele origin: germline. Not counted in ClinVar's aggregate classification.

NM_001360.3(DHCR7):c.28C>G (p.Pro10Ala)

Gene: DHCR7 (7-dehydrocholesterol reductase; minus strand). Cytogenetic location: 11q13.4.
Variant type: single nucleotide variant.
Coding change: c.28C>G on transcript NM_001360.3 (MANE Select); coding-DNA position 28, C replaced by G.
Protein change: p.Pro10Ala; replaces proline 10 with alanine.
Molecular consequence: missense variant.
Genome position (GRCh38, 1-based): chr11:71,444,925, G>C on the plus strand (C>G on the coding strand, the complement: DHCR7 is on the minus strand). VCF-style: chr11-71444925-G-C. GRCh37 (hg19) VCF-style: chr11-71155971-G-C.
Other names: c.28C>G, p.Pro10Ala (NM_001163817.2); c.28C>G (NM_001360.2); short protein forms P10A.
Identifiers: ClinVar variation 196325 (VCV000196325.26), dbSNP rs139166382, ClinGen allele CA243233.
Genomic context (GRCh38, chr11:71,444,925, plus strand): 5'-CCCACTGCCCTTGAGATGCGGTTCTGTCATTGGTGACGCCATCTAGACTCTTGGCTTTGG[G>C]AATGTTGGGTTGCGATTTTGCAGCCATTGGGCCCTGCAAGAAAGAGAACCTTGCTTACAT-3'
Protein context (NP_001351.2, residues 1-20): MAAKSQPNI[Pro10Ala]KAKSLDGVTN